The following is an entry in ClinVar:

NM_001148.6(ANK2):c.2954G>A (p.Arg985Lys)

Gene: ANK2 (ankyrin 2; plus strand). Cytogenetic location: 4q26.
Variant type: single nucleotide variant.
Coding change: c.2954G>A on transcript NM_001148.6 (MANE Select); coding-DNA position 2954, G replaced by A.
Protein change: p.Arg985Lys; replaces arginine 985 with lysine.
Molecular consequence: missense variant.
Genome position (GRCh38, 1-based): chr4:113,330,299, G>A. VCF-style: chr4-113330299-G-A. GRCh37 (hg19) VCF-style: chr4-114251455-G-A.
Other names: c.2867G>A, p.Arg956Lys (NM_001386149.1, NM_001386150.1, NM_001386153.1 and 7 more transcripts); c.2768G>A, p.Arg923Lys (NM_001386151.1, NM_001354271.2, NM_001354260.2); c.3011G>A, p.Arg1004Lys (NM_001386152.1); c.2852G>A, p.Arg951Lys (NM_001386154.1, NM_001354274.2, NM_001386142.1); c.2792G>A, p.Arg931Lys (NM_001386156.1, NM_001354257.2); c.2669G>A, p.Arg890Lys (NM_001386157.1, NM_001354277.2); c.2570G>A, p.Arg857Lys (NM_001386158.1); c.2897G>A, p.Arg966Lys (NM_001386160.1); and 23 more; short protein forms R1004K, R1024K, R206K, R918K, R931K, R943K, R952K, R956K.
Identifiers: ClinVar variation 5022148 (VCV005022148.1).

ClinVar aggregate classification (germline): Uncertain significance (1 of 4 stars; one submission).

Conditions:
Cardiovascular phenotype. Identifiers: MedGen CN230736.

gnomAD v4.1: 3 of 1,614,212 alleles (0.00019%); highest among the groups gnomAD compares: Non-Finnish European, 0.00025%; no homozygotes.

Submission:

Ambry Genetics
Classification: Uncertain significance for Cardiovascular phenotype. Last evaluated: 2026-08-31. Review status: criteria provided, single submitter. Criteria: Ambry Variant Classification Scheme 2023. Collection method: clinical testing. Allele origin: germline.
Comment: The p.R985K variant (also known as c.2954G>A), located in coding exon 27 of the ANK2 gene, results from a G to A substitution at nucleotide position 2954. The arginine at codon 985 is replaced by lysine, an amino acid with highly similar properties. This amino acid position is conserved. In addition, the in silico prediction for this alteration is inconclusive. Based on the available evidence, the clinical significance of this variant remains unclear.